The following is an entry in ClinVar:

NM_153704.6(TMEM67):c.651+8T>C

Gene: TMEM67 (transmembrane protein 67; plus strand). Cytogenetic location: 8q22.1.
Variant type: single nucleotide variant.
Coding change: c.651+8T>C on transcript NM_153704.6 (MANE Select); 8 bases into the intron after coding-DNA position 651, T replaced by C.
Molecular consequence: intron variant.
Genome position (GRCh38, 1-based): chr8:93,765,654, T>C. VCF-style: chr8-93765654-T-C. GRCh37 (hg19) VCF-style: chr8-94777882-T-C.
Other names: c.408+8T>C (NM_001142301.1).
Identifiers: ClinVar variation 2167797 (VCV002167797.1), dbSNP rs1443133301, ClinGen allele CA583407804.

ClinVar aggregate classification (germline): Uncertain significance (1 of 4 stars; one submission).

Conditions:
Joubert syndrome. Also called: CEREBELLOPARENCHYMAL DISORDER IV; JOUBERT-BOLTSHAUSER SYNDROME; Familial aplasia of the vermis. Identifiers: Orphanet 475, MedGen C5979921, MONDO:0018772.
Meckel-Gruber syndrome. Also called: DYSENCEPHALIA SPLANCHNOCYSTICA; GRUBER SYNDROME; Dysencephalia splachnocystica. Identifiers: Orphanet 564, MedGen C0265215, MONDO:0018921.

Allele frequency attached by ClinVar (database versions not stated): TOPMed 0.00001; gnomAD exomes below 0.00001.
gnomAD v4.1: 1 of 1,601,462 alleles (0.000062%); highest among the groups gnomAD compares: Non-Finnish European, 0.000086%; no homozygotes.

Submission:

Labcorp Genetics (formerly Invitae), Labcorp
Classification: Uncertain significance for Joubert syndrome; Meckel-Gruber syndrome. Last evaluated: 2022-08-12. Review status: criteria provided, single submitter. Criteria: Invitae Variant Classification Sherloc (09022015). Collection method: clinical testing. Allele origin: germline.
Comment: This sequence change falls in intron 6 of the TMEM67 gene. It does not directly change the encoded amino acid sequence of the TMEM67 protein. This variant is not present in population databases (gnomAD no frequency). This variant has not been reported in the literature in individuals affected with TMEM67-related conditions. Algorithms developed to predict the effect of sequence changes on RNA splicing suggest that this variant may create or strengthen a splice site. In summary, the available evidence is currently insufficient to determine the role of this variant in disease. Therefore, it has been classified as a Variant of Uncertain Significance.